The following is an entry in ClinVar:

ClinVar aggregate classification (germline): Pathogenic. Review status: criteria provided, multiple submitters, no conflicts (2 of 4 stars). 2 submissions from 2 submitters: Pathogenic (2). Last evaluated 2020-08-04.

Conditions:
Hereditary cancer-predisposing syndrome. Also called: Hereditary Cancer Syndrome; Neoplastic Syndromes, Hereditary; Hereditary neoplastic syndrome; Tumor predisposition. Identifiers: Orphanet 140162, MedGen C0027672, MeSH D009386, MONDO:0015356.
Breast-ovarian cancer, familial, susceptibility to, 1 (BROVCA1). Also called: BRCA1 Hereditary Breast and Ovarian Cancer; OVARIAN CANCER, SUSCEPTIBILITY TO. Identifiers: Orphanet 145, MedGen C2676676, MONDO:0011450, OMIM 604370. Disease mechanism: loss of function.

Submissions (3):

Ambry Genetics
Classification: Pathogenic for Hereditary cancer-predisposing syndrome. Last evaluated: 2020-08-04. Review status: criteria provided, single submitter. Criteria: Ambry Variant Classification Scheme 2023. Collection method: clinical testing. Allele origin: germline.
Comment: The c.5074+1G>C intronic pathogenic mutation results from a G to C substitution one nucleotide after coding exon 15 of the BRCA1 gene. One functional study found that this nucleotide substitution is deleterious in a high throughput genome editing haploid cell survival assay (Findlay GM et al. Nature, 2018 10;562:217-222). This alteration was identified in a large, worldwide study of BRCA1/2 mutation positive families (Rebbeck TR et al. Hum. Mutat., 2018 05;39:593-620). Alterations impacting the same donor site (c.5074+1G>A and c.5074G>T) have been identified in multiple individuals diagnosed with breast and/or ovarian cancer (Nones K et al. Ann. Oncol., 2019 07;30:1071-1079; Laitman Y et al. Hum. Mutat., 2019 11;40:e1-e23; Kim HN et al. Chonnam Med J, 2019 May;55:99-103; Li A et al. Gynecol. Oncol., 2018 10;151:145-152; Darooei M et al. Tumour Biol., 2017 Feb;39:1010428317694303; Juwle A et al. Med. Oncol., 2012 Dec;29:3272-81; Choi DH et al. J. Clin. Oncol., 2004 May;22:1638-45; Rashid MU et al. BMC Cancer 2016 Aug;16(1):673). In silico splice site analysis predicts that c.5074+1G>C will weaken the native splice donor site. Alterations that disrupt the canonical splice site are expected to cause aberrant splicing, resulting in an abnormal protein or a transcript that is subject to nonsense-mediated mRNA decay. As such, this alteration is classified as a disease-causing mutation.

Consortium of Investigators of Modifiers of BRCA1/2 (CIMBA), c/o University of Cambridge
Classification: Pathogenic for Breast-ovarian cancer, familial, susceptibility to, 1. Last evaluated: 2015-10-02. Review status: criteria provided, single submitter. Criteria: CIMBA Mutation Classification guidelines May 2016. Collection method: clinical testing. Allele origin: germline.

Brotman Baty Institute, University of Washington
No classification provided (evidence only). Condition: Breast-ovarian cancer, familial 1. Review status: no classification provided. Collection method: in vitro. Allele origin: not applicable. Functional consequence: functionally_abnormal. Not counted in ClinVar's aggregate classification.
ClinVar note: "not provided" was previously submitted as the classification for the variant. However, the classification appeared to be based only on an observation of functional data so it was converted to no classification on 2025-07-30.

Literature cited by the submitters: PubMed 27157322 (cited by Ambry Genetics); PubMed 29446198 (cited by Ambry Genetics); PubMed 30209399 (cited by Ambry Genetics).

NM_007294.4(BRCA1):c.5074+1G>C

Gene: BRCA1 (BRCA1 DNA repair associated; minus strand). Cytogenetic location: 17q21.31.
Variant type: single nucleotide variant.
Coding change: c.5074+1G>C on transcript NM_007294.4 (MANE Select); the canonical splice donor site of the intron after coding-DNA position 5074, G replaced by C.
Molecular consequence: splice donor variant. On other transcripts: intron variant (1).
Genome position (GRCh38, 1-based): chr17:43,067,607, C>G on the plus strand (G>C on the coding strand, the complement: BRCA1 is on the minus strand). VCF-style: chr17-43067607-C-G. GRCh37 (hg19) VCF-style: chr17-41219624-C-G.
Other names: c.1621+1G>C (NM_001408458.1, NM_001408461.1, NM_001408464.1 and 7 more transcripts); c.4183+1G>C (NM_001407967.1); c.4693+1G>C (NM_001407959.1); c.4807+1G>C (NM_001407931.1, NM_001407932.1, NM_001407928.1 and 4 more transcripts); c.4930+1G>C (NM_001407747.1, NM_001407745.1, NM_001407737.1 and 21 more transcripts); c.4690+1G>C (NM_001407962.1, NM_001407960.1); c.1261+1G>C (NM_001408512.1); c.1384+1G>C (NM_001408510.1); and 71 more.
Identifiers: ClinVar variation 267570 (VCV000267570.8), dbSNP rs80358053, ClinGen allele CA10591376.